The following is an entry in ClinVar:

ClinVar aggregate classification (germline): Uncertain significance (1 of 4 stars; one submission).

Conditions:
Brachyolmia-amelogenesis imperfecta syndrome. Also called: PLATYSPONDYLY WITH AMELOGENESIS IMPERFECTA; Tooth agenesis, selective, 6; Dental anomalies and short stature. Identifiers: Orphanet 2899, MedGen C1832594, MONDO:0011018, OMIM 601216. Disease mechanism: loss of function.

Submission:

Labcorp Genetics (formerly Invitae), Labcorp
Classification: Uncertain significance for Brachyolmia-amelogenesis imperfecta syndrome. Last evaluated: 2023-08-29. Review status: criteria provided, single submitter. Criteria: Invitae Variant Classification Sherloc (09022015). Collection method: clinical testing. Allele origin: germline.
Comment: In summary, the available evidence is currently insufficient to determine the role of this variant in disease. Therefore, it has been classified as a Variant of Uncertain Significance. Experimental studies and prediction algorithms are not available or were not evaluated, and the functional significance of this variant is currently unknown. This variant has not been reported in the literature in individuals affected with LTBP3-related conditions. This variant is not present in population databases (gnomAD no frequency). This variant, c.52_66del, results in the deletion of 5 amino acid(s) of the LTBP3 protein (p.Ala18_Gly22del), but otherwise preserves the integrity of the reading frame.

NM_001130144.3(LTBP3):c.52_66del (p.Ala18_Gly22del)

Gene: LTBP3 (latent transforming growth factor beta binding protein 3; minus strand). Cytogenetic location: 11q13.1.
Variant type: Deletion.
Coding change: c.52_66del on transcript NM_001130144.3 (MANE Select); coding-DNA positions 52 to 66, 15 bases deleted (GCGGGGGCGGCGGGG).
Protein change: p.Ala18_Gly22del.
Molecular consequence: inframe deletion. On other transcripts: 5 prime UTR variant (1).
Genome position (GRCh38, 1-based): chr11:65,557,894-65,557,908, CCCCGCCGCCCCCGC deleted on the plus strand (GCGGGGGCGGCGGGG on the coding strand, the reverse complement: LTBP3 is on the minus strand); deleting any 15 consecutive bases within chr11:65,557,894-65,557,911 gives the same sequence; the c. name uses the placement nearest the transcript's 3' end. VCF-style (leftmost placement, unchanged base first): chr11-65557893-GCCCCGCCGCCCCCGC-G. GRCh37 (hg19) VCF-style: chr11-65325364-GCCCCGCCGCCCCCGC-G.
Other names: c.-296_-282del (NM_001164266.1); c.52_66del, p.Ala18_Gly22del (NM_021070.4).
Identifiers: ClinVar variation 2811578 (VCV002811578.3), dbSNP rs2496187663, ClinGen allele CA2739270538.